The following is an entry in ClinVar:

ClinVar aggregate classification (germline): Uncertain significance (1 of 4 stars; one submission).

Conditions:
Hereditary cancer-predisposing syndrome. Also called: Neoplastic Syndromes, Hereditary; Tumor predisposition; Hereditary neoplastic syndrome; Hereditary Cancer Syndrome. Identifiers: Orphanet 140162, MedGen C0027672, MeSH D009386, MONDO:0015356.

Submission:

Ambry Genetics
Classification: Uncertain significance for Hereditary cancer-predisposing syndrome. Last evaluated: 2025-06-02. Review status: criteria provided, single submitter. Criteria: Ambry Variant Classification Scheme 2023. Collection method: clinical testing. Allele origin: germline.
Comment: The p.K572E variant (also known as c.1714A>G), located in coding exon 9 of the ALK gene, results from an A to G substitution at nucleotide position 1714. The lysine at codon 572 is replaced by glutamic acid, an amino acid with similar properties. This amino acid position is conserved. In addition, this alteration is predicted to be tolerated by in silico analysis. Based on the available evidence, the clinical significance of this variant remains unclear.

NM_004304.5(ALK):c.1714A>G (p.Lys572Glu)

Gene: ALK (ALK receptor tyrosine kinase; minus strand). Cytogenetic location: 2p23.2.
Variant type: single nucleotide variant.
Coding change: c.1714A>G on transcript NM_004304.5 (MANE Select); coding-DNA position 1714, A replaced by G.
Protein change: p.Lys572Glu; replaces lysine 572 with glutamic acid.
Molecular consequence: missense variant.
Genome position (GRCh38, 1-based): chr2:29,296,991, T>C on the plus strand (A>G on the coding strand, the complement: ALK is on the minus strand). VCF-style: chr2-29296991-T-C. GRCh37 (hg19) VCF-style: chr2-29519857-T-C.
Other names: short protein forms K572E.
Identifiers: ClinVar variation 4041101 (VCV004041101.1).